The following is an entry in ClinVar:

ClinVar aggregate classification (germline): Pathogenic/Likely pathogenic. Review status: criteria provided, multiple submitters, no conflicts (2 of 4 stars). 2 submissions from 2 submitters: Pathogenic (1); Likely pathogenic (1). Last evaluated 2022-09-26.

Conditions:
SLC12A6-related disorder. Also called: SLC12A6-related condition.

Allele frequency attached by ClinVar (database versions not stated): gnomAD exomes below 0.00001.

Submissions (2):

PreventionGenetics, part of Exact Sciences
Classification: Likely pathogenic for SLC12A6-related condition. Last evaluated: 2022-09-26. Review status: criteria provided, single submitter. Criteria: ACMG Guidelines, 2015. Collection method: clinical testing. Allele origin: germline.
Comment: The SLC12A6 c.294_295delAG variant is predicted to result in a frameshift and premature protein termination (p.Glu100Thrfs*10). To our knowledge, this variant has not been reported in the literature. This variant is reported in 0.00088% of alleles in individuals of European (Non-Finnish) descent in gnomAD. Frameshift variants in SLC12A6 are expected to be pathogenic (Howard et a.l 2002. PubMed ID: 12368912; Uyanik et a.l 2006. PubMed ID: 16606917). Protein truncating variants located upstream as well as downstream of this variant have been reported as pathogenic or likely pathogenic in ClinVar and HGMD databases. This variant is interpreted as likely pathogenic.

Labcorp Genetics (formerly Invitae), Labcorp
Classification: Pathogenic. Last evaluated: 2021-10-27. Review status: criteria provided, single submitter. Criteria: Invitae Variant Classification Sherloc (09022015). Collection method: clinical testing. Allele origin: germline.
Comment: This sequence change creates a premature translational stop signal (p.Glu100Thrfs*10) in the SLC12A6 gene. It is expected to result in an absent or disrupted protein product. Loss-of-function variants in SLC12A6 are known to be pathogenic (PMID: 12368912, 16606917). For these reasons, this variant has been classified as Pathogenic. This variant has not been reported in the literature in individuals affected with SLC12A6-related conditions. This variant is present in population databases (no rsID available, gnomAD 0.0009%).

Literature cited by the submitters: PubMed 12368912 (cited by Labcorp Genetics (formerly Invitae), Labcorp); PubMed 16606917 (cited by Labcorp Genetics (formerly Invitae), Labcorp).

NM_001365088.1(SLC12A6):c.294_295del (p.Glu100fs)

Gene: SLC12A6 (solute carrier family 12 member 6; minus strand). Cytogenetic location: 15q14.
Variant type: Deletion.
Coding change: c.294_295del on transcript NM_001365088.1 (MANE Select); coding-DNA positions 294 to 295, 2 bases deleted (AG; older notation c.294_295delAG).
Protein change: p.Glu100fs; shifts the reading frame from glutamic acid 100.
Molecular consequence: frameshift variant. On other transcripts: intron variant (1).
Genome position (GRCh38, 1-based): chr15:34,275,366-34,275,367, CT deleted on the plus strand (AG on the coding strand, the reverse complement: SLC12A6 is on the minus strand). VCF-style (leftmost placement, unchanged base first): chr15-34275365-CCT-C. GRCh37 (hg19) VCF-style: chr15-34567566-CCT-C.
Other names: c.117_118del, p.Glu41fs (NM_001042494.2, NM_001042495.2); c.267_268del, p.Glu91fs (NM_001042496.2); c.141_142del, p.Glu49fs (NM_005135.2); c.294_295del, p.Glu100fs (NM_133647.2); c.272-14347_272-14346del (NM_001042497.2); c.294_295delAG (NM_133647.1); short protein forms E49fs, E100fs, E91fs, E41fs.
Identifiers: ClinVar variation 1454251 (VCV001454251.6), dbSNP rs1292460656, ClinGen allele CA617181763.